The following is an entry in ClinVar:

NM_004821.3(HAND1):c.161C>G (p.Pro54Arg)

Gene: HAND1 (heart and neural crest derivatives expressed 1; minus strand). Cytogenetic location: 5q33.2.
Variant type: single nucleotide variant.
Coding change: c.161C>G on transcript NM_004821.3 (MANE Select); coding-DNA position 161, C replaced by G.
Protein change: p.Pro54Arg; replaces proline 54 with arginine.
Molecular consequence: missense variant.
Genome position (GRCh38, 1-based): chr5:154,477,848, G>C on the plus strand (C>G on the coding strand, the complement: HAND1 is on the minus strand). VCF-style: chr5-154477848-G-C. GRCh37 (hg19) VCF-style: chr5-153857408-G-C.
Other names: short protein forms P54R.
Identifiers: ClinVar variation 1406901 (VCV001406901.8), dbSNP rs780969396, ClinGen allele CA3526625.

ClinVar aggregate classification (germline): Uncertain significance (1 of 4 stars; one submission).

Conditions:
Hypoplastic left heart syndrome. Also called: Hypoplastic left ventricle; Hypoplastic left heart. Identifiers: Orphanet 2248, MedGen C0152101, MONDO:0004933, HP:0004383.

gnomAD v4.1: 46 of 1,601,702 alleles (0.0029%); highest among the groups gnomAD compares: Non-Finnish European, 0.0038%; no homozygotes.

Submission:

Labcorp Genetics (formerly Invitae), Labcorp
Classification: Uncertain significance for Hypoplastic left heart syndrome. Last evaluated: 2023-12-06. Review status: criteria provided, single submitter. Criteria: Invitae Variant Classification Sherloc (09022015). Collection method: clinical testing. Allele origin: germline.
Comment: This sequence change replaces proline, which is neutral and non-polar, with arginine, which is basic and polar, at codon 54 of the HAND1 protein (p.Pro54Arg). This variant is present in population databases (rs780969396, gnomAD 0.001%). This variant has not been reported in the literature in individuals affected with HAND1-related conditions. ClinVar contains an entry for this variant (Variation ID: 1406901). An algorithm developed to predict the effect of missense changes on protein structure and function (PolyPhen-2) suggests that this variant is likely to be tolerated. In summary, the available evidence is currently insufficient to determine the role of this variant in disease. Therefore, it has been classified as a Variant of Uncertain Significance.